The following is an entry in ClinVar:

NM_001130987.2(DYSF):c.5194C>T (p.Arg1732Trp)

Gene: DYSF (dysferlin; plus strand). Cytogenetic location: 2p13.2.
Variant type: single nucleotide variant.
Coding change: c.5194C>T on transcript NM_001130987.2 (MANE Select); coding-DNA position 5194, C replaced by T.
Protein change: p.Arg1732Trp; replaces arginine 1732 with tryptophan.
Molecular consequence: missense variant.
Genome position (GRCh38, 1-based): chr2:71,665,181, C>T. VCF-style: chr2-71665181-C-T. GRCh37 (hg19) VCF-style: chr2-71892311-C-T.
Other names: NM_001130987.2(DYSF):c.5194C>T; c.5080C>T, p.Arg1694Trp (NM_001130455.2); c.5035C>T, p.Arg1679Trp (NM_001130976.2); c.5098C>T, p.Arg1700Trp (NM_001130977.2); c.5140C>T, p.Arg1714Trp (NM_001130978.2); c.5170C>T, p.Arg1724Trp (NM_001130979.2); c.5128C>T, p.Arg1710Trp (NM_001130980.2); c.5191C>T, p.Arg1731Trp (NM_001130981.2); and 6 more; short protein forms R1693W, R1732W, R1701W, R1724W, R1725W, R1679W, R1680W, R1700W.
Identifiers: ClinVar variation 217227 (VCV000217227.31), dbSNP rs863225021, ClinGen allele CA279083.

ClinVar aggregate classification (germline): Pathogenic. Review status: reviewed by expert panel (3 of 4 stars). 13 submissions from 13 submitters: Pathogenic (1). 12 of the submissions do not count toward it. Last evaluated 2025-07-23.

Conditions:
DYSF-related disorder. Also called: DYSF-related condition; DYSF-related disorders.
Autosomal recessive limb-girdle muscular dystrophy. Identifiers: Orphanet 102015, MedGen C2931907, MONDO:0015152.
Distal myopathy with anterior tibial onset. Identifiers: Orphanet 178400, MedGen C1847532, MONDO:0011721, OMIM 606768.
Autosomal recessive limb-girdle muscular dystrophy type 2B (LGMDR2). Also called: Limb-girdle muscular dystrophy, type 2B; MUSCULAR DYSTROPHY, LIMB-GIRDLE, AUTOSOMAL RECESSIVE 2; Limb-Girdle Muscular Dystrophy Type 2B (LGMD2B); MUSCULAR DYSTROPHY, LIMB-GIRDLE, TYPE 3. Identifiers: Orphanet 268, MedGen C1850889, MONDO:0009676, OMIM 253601.
Miyoshi muscular dystrophy 1 (MMD1). Identifiers: Orphanet 45448, MedGen C4551973, MONDO:0024545, OMIM 254130.
Neuromuscular disease caused by qualitative or quantitative defects of dysferlin. Also called: Dysferlinopathy; Qualitative or quantitative defects of dysferlin. Identifiers: Orphanet 207073, MedGen C2931687, MONDO:0016145.

Allele frequency attached by ClinVar (database versions not stated): gnomAD exomes below 0.00001 and 0.00001; TOPMed 0.00001.
gnomAD v4.1: 16 of 1,613,700 alleles (0.00099%); highest among the groups gnomAD compares: African/African-American, 0.0027%; no homozygotes.

Submissions (13):

ClinGen Limb Girdle Muscular Dystrophy Variant Curation Expert Panel, ClinGen
Classification: Pathogenic for Autosomal recessive limb-girdle muscular dystrophy. Last evaluated: 2025-07-23. Review status: reviewed by expert panel. Criteria: ClinGen LGMD VCEP ACMG Specifications DYSF V1.0.0. Collection method: curation. Allele origin: germline. Inheritance: Autosomal recessive inheritance.
Comment: The NM_003494.4: c.5077C>T variant in DYSF, which is also known as NM_001130987.2: c.5194C>T p.(Arg1732Trp), is a missense variant predicted to cause substitution of arginine by tryptophan at amino acid 1693, p.(Arg1693Trp). This variant has been reported in at least nine individuals from six families with features overlapping LGMD (PMID: 16100712, 23530687, 26088049, 27647186, 27602406, 30919934, 35135626), including in unknown phase with a second pathogenic variant in at least two individuals (NM_003494.4: c.4756C>T p.(Arg1586Ter), 0.5 pts, PMID: 23530687; NM_003494.4: c.5698_5699del p.(Ser1900GlnfsTer14), 0.5 pts, 27602406) and in a homozygous state without reported consanguinity in two unrelated individuals (1.0 pt, PMID: 16100712, 26088049) (PM3_Strong). At least one patient with this variant and another presumed diagnostic DYSF variant had clinical features of LGMD (Miyoshi myopathy) and absent dysferlin expression in muscle biopsy, which is highly specific for DYSF-related LGMD (PMID: 16100712, 27647186; PP4_Strong). This variant has been observed to co-segregate with autosomal recessive LGMD in two affected family members from three families (PMID: 16100712, 26088049, 30919934; PP1, capped with PP4_Strong). The highest population allele frequency of this variant is 0.00002671 in the African/African American population in gnomAD v4.1.0, which is less than the ClinGen LGMD VCEP threshold (≤0.0001) (PM2_Supporting). Immunofluorescence and 2-A assays of dysferlin membrane localization in HEK293T cells showed the Arg1693Trp protein did not reach the cell membrane, indicating an impact on protein function (PMID: 35028538) (PS3_Moderate). The computational predictor REVEL gives a score of 0.74, which is above the LGMD VCEP threshold of ≥0.70, evidence that correlates with impact to DYSF function (PP3). In summary, this variant meets the criteria to be classified as Pathogenic for autosomal recessive limb girdle muscular dystrophy based on the ACMG/AMP criteria applied, as specified by the ClinGen LGMD VCEP (LGMD VCEP specifications version 1.0.0; 07/23/2025): PM3_Strong, PP4_Strong, PS3_Moderate, PP3, PM2_Supporting, PP1.

Natera, Inc.
Classification: Pathogenic for Limb-girdle muscular dystrophy type 2B. Last evaluated: 2026-01-30. Review status: criteria provided, single submitter. Criteria: Natera Variant Classification Schema (03/2026). Collection method: clinical testing. Allele origin: germline. Not counted in ClinVar's aggregate classification.
Comment: The c.5077C>T variant in DYSF is a missense variant predicted to cause substitution of arginine to tryptophan at amino acid 1693. This variant is rare in the general population with a frequency below the threshold expected for the associated phenotype(s). This variant has been observed in one or more individuals affected with the associated recessive disease, as either homozygous or compound heterozygous with a second variant (PMID: 30919934, 27647186, 35135626, 16100712, 32400077). A different variant at the same position has been determined to be Pathogenic or Likely Pathogenic. Computational prediction algorithms indicate this variant is likely to affect gene or protein function. Given the available evidence, this variant is classified as Pathogenic.

Labcorp Genetics (formerly Invitae), Labcorp
Classification: Pathogenic for Neuromuscular disease caused by qualitative or quantitative defects of dysferlin. Last evaluated: 2025-11-01. Review status: criteria provided, single submitter. Criteria: Invitae Variant Classification Sherloc (09022015). Collection method: clinical testing. Allele origin: germline. Not counted in ClinVar's aggregate classification.
Comment: This sequence change replaces arginine, which is basic and polar, with tryptophan, which is neutral and slightly polar, at codon 1693 of the DYSF protein (p.Arg1693Trp). This variant is present in population databases (no rsID available, gnomAD 0.004%). This missense change has been observed in individuals with dysferlinopathy (PMID: 16100712, 23530687, 26088049, 27066573, 27647186). It has also been observed to segregate with disease in related individuals. ClinVar contains an entry for this variant (Variation ID: 217227). Invitae Evidence Modeling of protein sequence and biophysical properties (such as structural, functional, and spatial information, amino acid conservation, physicochemical variation, residue mobility, and thermodynamic stability) indicates that this missense variant is expected to disrupt DYSF protein function with a positive predictive value of 95%. For these reasons, this variant has been classified as Pathogenic.

Centre for Clinical Genetics and Genomic Diagnostics, Zealand University Hospital
Classification: Pathogenic. Last evaluated: 2025-02-11. Review status: criteria provided, single submitter. Criteria: ACMG Guidelines, 2015. Collection method: clinical testing. Allele origin: germline. Affected: yes. Not counted in ClinVar's aggregate classification.
Comment: Compound heterozygous

Fulgent Genetics
Classification: Likely pathogenic for Autosomal recessive limb-girdle muscular dystrophy type 2B; Miyoshi muscular dystrophy 1; Distal myopathy with anterior tibial onset. Last evaluated: 2024-05-30. Review status: criteria provided, single submitter. Criteria: ACMG Guidelines, 2015. Collection method: clinical testing. Allele origin: germline. Not counted in ClinVar's aggregate classification.

Baylor Genetics
Classification: Pathogenic for Miyoshi muscular dystrophy 1. Last evaluated: 2024-02-19. Review status: criteria provided, single submitter. Criteria: ACMG Guidelines, 2015. Collection method: clinical testing. Allele origin: unknown. Not counted in ClinVar's aggregate classification.

Women's Health and Genetics/Laboratory Corporation of America, LabCorp
Classification: Pathogenic for Autosomal recessive limb-girdle muscular dystrophy. Last evaluated: 2022-12-12. Review status: criteria provided, single submitter. Criteria: LabCorp Variant Classification Summary - May 2015. Collection method: clinical testing. Allele origin: germline. Not counted in ClinVar's aggregate classification.
Comment: Variant summary: DYSF c.5077C>T (p.Arg1693Trp) results in a non-conservative amino acid change in the encoded protein sequence. Five of five in-silico tools predict a damaging effect of the variant on protein function. The variant allele was found at a frequency of 4e-06 in 249662 control chromosomes. c.5077C>T has been reported in the literature as biallelic homozygous or compound heterozygous genotypes in multiple individuals affected with features of Limb-Girdle Muscular Dystrophy, Autosomal Recessive (example, Cagliani_2005, Izumi_2015, Harris_2016, ten Dam_2019). These data indicate that the variant is very likely to be associated with disease. To our knowledge, no experimental evidence demonstrating an impact on protein function has been reported. Five clinical diagnostic laboratories have submitted clinical-significance assessments for this variant to ClinVar after 2014 without evidence for independent evaluation. All laboratories classified the variant as pathogenic/likely pathogenic. Based on the evidence outlined above, the variant was classified as pathogenic.

Revvity Omics, Revvity
Classification: Pathogenic. Last evaluated: 2022-10-27. Review status: criteria provided, single submitter. Criteria: ACMG Guidelines, 2015. Collection method: clinical testing. Allele origin: germline. Not counted in ClinVar's aggregate classification.

Blueprint Genetics
Classification: Pathogenic for DYSF-related disorders. Last evaluated: 2022-08-24. Review status: criteria provided, single submitter. Criteria: ACMG Guidelines, 2015. Collection method: clinical testing. Allele origin: germline. Affected: yes. Observed: 3 variant alleles. Not counted in ClinVar's aggregate classification.

Athena Diagnostics
Classification: Likely pathogenic. Last evaluated: 2018-12-03. Review status: criteria provided, single submitter. Criteria: Athena Diagnostics Criteria. Collection method: clinical testing. Allele origin: germline. Not counted in ClinVar's aggregate classification.
Comment: The best available variant frequency is uninformative because it is below the disease allele frequency. Found in at least one symptomatic patient. Predicted to have a damaging effect on the protein. Occurs in three or more cases with a recessive pathogenic variant in the same gene.

Broad Center for Mendelian Genomics, Broad Institute of MIT and Harvard
Classification: Likely pathogenic for Autosomal recessive limb-girdle muscular dystrophy type 2B. Last evaluated: 2018-12-03. Review status: criteria provided, single submitter. Criteria: ACMG Guidelines, 2015. Collection method: research. Allele origin: germline. Inheritance: Autosomal recessive inheritance. Affected: yes. Not counted in ClinVar's aggregate classification.
Comment: The homozygous p.Arg1732Trp variant (sometimes called p.Arg1693Trp in the literature) was identified by our study in two siblings with limb-girdle muscular dystrophy (LGMD). This variant has been identified in 0.0007262% (2/275404) of chromosomes by the Genome Aggregation Database (gnomAD; dbSNP rs863225021). Although this variant has been seen in the general population, its frequency is low enough to be consistent with a recessive carrier frequency. Computational prediction tools and conservation analyses suggest that this variant may impact the protein, though this information is not predictive enough to determine pathogenicity. The p.Arg1732Trp variant in DYSF has been reported in 4 additional individuals with LGMD in the literature and segregated with disease in 4 affected relatives from 2 families reported here and in the literature (PMID: 16100712, 27066573, 27647186). The presence of this variant in combination with a variant not reported in ClinVar and in an individual with LGMD slightly increases the likelihood that the p.Arg1732Trp variant is pathogenic. In summary, although additional studies are required to fully establish its clinical significance, this variant is likely pathogenic. ACMG/AMP Criteria applied: PM2, PP1_Moderate, PP3, PM3_Supporting (Richards 2015).

Eurofins Ntd Llc (ga)
Classification: Pathogenic. Last evaluated: 2015-09-15. Review status: criteria provided, single submitter. Criteria: EGL Classification Definitions 2015. Collection method: clinical testing. Allele origin: germline. Observed: 6 variant alleles, 5 heterozygotes, 1 homozygote. Not counted in ClinVar's aggregate classification.

Counsyl
Classification: Likely pathogenic for Autosomal recessive limb-girdle muscular dystrophy type 2B. Last evaluated: 2017-04-19. Review status: no assertion criteria provided. Collection method: clinical testing. Allele origin: unknown. Not counted in ClinVar's aggregate classification.

Literature cited by the submitters: PubMed 30919934 (cited by Natera, Inc. and Women's Health and Genetics/Laboratory Corporation of America, LabCorp); PubMed 27647186 (cited by 6 submitters); PubMed 35135626 (cited by Natera, Inc. and Women's Health and Genetics/Laboratory Corporation of America, LabCorp); PubMed 16100712 (cited by 7 submitters); PubMed 32400077 (cited by Natera, Inc.); PubMed 23530687 (cited by 4 submitters); PubMed 26088049 (cited by 3 submitters); PubMed 27066573 (cited by 5 submitters); PubMed 27602406 (cited by Women's Health and Genetics/Laboratory Corporation of America, LabCorp and Counsyl); PubMed 28403181 (cited by Athena Diagnostics).